The following is an entry in ClinVar:

NM_000141.5(FGFR2):c.151G>A (p.Val51Met)

Gene: FGFR2 (fibroblast growth factor receptor 2; minus strand). Cytogenetic location: 10q26.13.
Variant type: single nucleotide variant.
Coding change: c.151G>A on transcript NM_000141.5 (MANE Select); coding-DNA position 151, G replaced by A.
Protein change: p.Val51Met; replaces valine 51 with methionine.
Molecular consequence: missense variant. On other transcripts: intron variant (9).
Genome position (GRCh38, 1-based): chr10:121,565,663, C>T on the plus strand (G>A on the coding strand, the complement: FGFR2 is on the minus strand). VCF-style: chr10-121565663-C-T. GRCh37 (hg19) VCF-style: chr10-123325177-C-T.
Other names: c.110-1084G>A (NM_001441088.1, NM_001144915.2, NM_001144919.2 and 2 more transcripts); c.110-14204G>A (NM_001144916.2, NM_001144918.2, NM_001441091.1 and 1 more transcripts); c.151G>A, p.Val51Met (NM_001144913.1, NM_001144914.1, NM_001144917.2 and 3 more transcripts); short protein forms V51M.
Identifiers: ClinVar variation 3591089 (VCV003591089.2).

ClinVar aggregate classification (germline): Conflicting classifications of pathogenicity. Review status: criteria provided, conflicting classifications (1 of 4 stars). 2 submissions from 2 submitters: Uncertain significance (1); Likely benign (1). Last evaluated 2026-01-26.

Conditions:
Acrocephalosyndactyly type I (ACS1). Also called: Apert syndrome; Acrocephalo-syndactyly type 1; ACS 1; Syndactylic oxycephaly. Identifiers: Orphanet 87, MedGen C0001193, MONDO:0007041, OMIM 101200.
Bent bone dysplasia syndrome 1 (BBDS1). Also called: FGFR2-related bent bone dysplasia. Identifiers: Orphanet 313855, MedGen C3281247, MONDO:0013815, OMIM 614592.
Beare-Stevenson cutis gyrata syndrome (BSTVS). Identifiers: Orphanet 1555, MedGen C1852406, MONDO:0007412, OMIM 123790.
Pfeiffer syndrome (ACS5). Also called: ACS V. Identifiers: Orphanet 710, MedGen C0220658, MONDO:0007043, OMIM 101600.
Gastric cancer. Also called: Stomach cancer; Malignant tumor of stomach. Identifiers: MedGen C0024623, MeSH D013274, MONDO:0001056, OMIM 613659, HP:0012126.
Familial scaphocephaly syndrome, McGillivray type. Also called: SCAPHOCEPHALY, MAXILLARY RETRUSION, AND IMPAIRED INTELLECTUAL DEVELOPMENT. Identifiers: Orphanet 168624, MedGen C1865070, MONDO:0012307, OMIM 609579.
Crouzon syndrome. Also called: CRANIOFACIAL DYSOSTOSIS, TYPE I; Craniofacial dysostosis; Craniofacial dysostosis type 1; Crouzon craniofacial dysostosis; Crouzon disease. Identifiers: Orphanet 207, MedGen C0010273, MeSH D003394, MONDO:0007405, OMIM 123500, HP:0004439.
LADD syndrome 1 (LADD1). Also called: Lacrimoauriculodentodigital syndrome 1. Identifiers: MedGen C5774323, MONDO:0100302, OMIM 149730.
Jackson-Weiss syndrome (JWS). Also called: CRANIOSYNOSTOSIS, MIDFACIAL HYPOPLASIA, AND FOOT ABNORMALITIES. Identifiers: Orphanet 1540, MedGen C0795998, MONDO:0007400, OMIM 123150. Disease mechanism: loss of function.
Antley-Bixler syndrome without genital anomalies or disordered steroidogenesis (ABS2). Also called: MULTISYNOSTOTIC OSTEODYSGENESIS WITH LONG BONE FRACTURES; Antley-Bixler Syndrome, Autosomal Dominant; Trapezoidocephaly synostosis syndrome; Osteodysgenesis, multisynostotic with fractures. Identifiers: Orphanet 596008, Orphanet 83, MedGen C2936791, MONDO:0020667, OMIM 207410.
Saethre-Chotzen syndrome (SCS). Also called: ACROCEPHALY, SKULL ASYMMETRY, AND MILD SYNDACTYLY; ACS III; CHOTZEN SYNDROME. Identifiers: Orphanet 794, MedGen C0175699, MONDO:0007042, OMIM 101400.

gnomAD v4.1: 6 of 1,614,094 alleles (0.00037%); highest among the groups gnomAD compares: African/African-American, 0.0013%; no homozygotes.

Submissions (2):

Centre for Medical Genetics,  Mumbai
Classification: Likely benign for Acrocephalosyndactyly type I. Last evaluated: 2026-01-26. Review status: criteria provided, single submitter. Criteria: ACMG Guidelines, 2015. Collection method: provider interpretation. Allele origin: germline. Inheritance: Autosomal dominant inheritance. Affected: no. Observed: 1 heterozygote.
Comment: The variant satisfies PM2 criteria, Extremely low frequency in gnomAD population databases. The variant satisfies PP2 criteria: Missense variant in a gene with low rate of benign missense mutations and for which missense mutation is a common mechanism of a disease. However, the variant satisfies BS2 criteria.

Fulgent Genetics
Classification: Uncertain significance for Acrocephalosyndactyly type I; Saethre-Chotzen syndrome; Pfeiffer syndrome; Jackson-Weiss syndrome; Crouzon syndrome; Beare-Stevenson cutis gyrata syndrome; LADD syndrome 1; Antley-Bixler syndrome without genital anomalies or disordered steroidogenesis; Familial scaphocephaly syndrome, McGillivray type; Gastric cancer; Bent bone dysplasia syndrome 1. Last evaluated: 2024-04-15. Review status: criteria provided, single submitter. Criteria: ACMG Guidelines, 2015. Collection method: clinical testing. Allele origin: germline.

Literature cited by the submitters: PubMed 7719344 (cited by Centre for Medical Genetics,  Mumbai).